The following is an entry in ClinVar:

ClinVar aggregate classification (germline): Uncertain significance (1 of 4 stars; one submission).

Submission:

GeneDx
Classification: Uncertain significance. Last evaluated: 2024-05-01. Review status: criteria provided, single submitter. Criteria: GeneDx Variant Classification Process June 2021. Collection method: clinical testing. Allele origin: germline. Affected: yes.
Comment: Not observed at significant frequency in large population cohorts (gnomAD); In silico analysis supports that this missense variant has a deleterious effect on protein structure/function; Has not been previously published as pathogenic or benign to our knowledge

NM_003128.3(SPTBN1):c.1082A>G (p.Asn361Ser)

Gene: SPTBN1 (spectrin beta, non-erythrocytic 1; plus strand). Cytogenetic location: 2p16.2.
Variant type: single nucleotide variant.
Coding change: c.1082A>G on transcript NM_003128.3 (MANE Select); coding-DNA position 1082, A replaced by G.
Protein change: p.Asn361Ser; replaces asparagine 361 with serine.
Molecular consequence: missense variant.
Genome position (GRCh38, 1-based): chr2:54,623,496, A>G. VCF-style: chr2-54623496-A-G. GRCh37 (hg19) VCF-style: chr2-54850633-A-G.
Other names: c.1043A>G, p.Asn348Ser (NM_178313.3); short protein forms N348S, N361S.
Identifiers: ClinVar variation 3373057 (VCV003373057.1).